The following is an entry in ClinVar:

NM_173630.4(RTTN):c.3947C>T (p.Ser1316Phe)

Gene: RTTN (rotatin; minus strand). Cytogenetic location: 18q22.2.
Variant type: single nucleotide variant.
Coding change: c.3947C>T on transcript NM_173630.4 (MANE Select); coding-DNA position 3947, C replaced by T.
Protein change: p.Ser1316Phe; replaces serine 1316 with phenylalanine.
Molecular consequence: missense variant.
Genome position (GRCh38, 1-based): chr18:70,092,761, G>A on the plus strand (C>T on the coding strand, the complement: RTTN is on the minus strand). VCF-style: chr18-70092761-G-A. GRCh37 (hg19) VCF-style: chr18-67759997-G-A.
Other names: c.1211C>T, p.Ser404Phe (NM_001318520.2); short protein forms S404F, S1316F.
Identifiers: ClinVar variation 3655621 (VCV003655621.2).

ClinVar aggregate classification (germline): Uncertain significance (1 of 4 stars; one submission).

gnomAD v4.1: 9 of 1,612,236 alleles (0.00056%); highest among the groups gnomAD compares: Non-Finnish European, 0.00042%; no homozygotes.

Submission:

Labcorp Genetics (formerly Invitae), Labcorp
Classification: Uncertain significance. Last evaluated: 2024-06-05. Review status: criteria provided, single submitter. Criteria: Invitae Variant Classification Sherloc (09022015). Collection method: clinical testing. Allele origin: germline.
Comment: This sequence change replaces serine, which is neutral and polar, with phenylalanine, which is neutral and non-polar, at codon 1316 of the RTTN protein (p.Ser1316Phe). This variant is present in population databases (rs770159706, gnomAD 0.002%). This variant has not been reported in the literature in individuals affected with RTTN-related conditions. Advanced modeling of protein sequence and biophysical properties (such as structural, functional, and spatial information, amino acid conservation, physicochemical variation, residue mobility, and thermodynamic stability) performed at Invitae indicates that this missense variant is expected to disrupt RTTN protein function with a positive predictive value of 80%. In summary, the available evidence is currently insufficient to determine the role of this variant in disease. Therefore, it has been classified as a Variant of Uncertain Significance.